The following is an entry in ClinVar:

NM_000268.4(NF2):c.463C>G (p.Pro155Ala)

Gene: NF2 (NF2, moesin-ezrin-radixin like (MERLIN) tumor suppressor; plus strand). Cytogenetic location: 22q12.2.
Variant type: single nucleotide variant.
Coding change: c.463C>G on transcript NM_000268.4 (MANE Select); coding-DNA position 463, C replaced by G.
Protein change: p.Pro155Ala; replaces proline 155 with alanine.
Molecular consequence: missense variant. On other transcripts: non-coding transcript variant (1), intron variant (1).
Genome position (GRCh38, 1-based): chr22:29,654,672, C>G. VCF-style: chr22-29654672-C-G. GRCh37 (hg19) VCF-style: chr22-30050661-C-G.
Other names: c.463C>G, p.Pro155Ala (NM_016418.5, NM_181825.3, NM_181832.3); c.337C>G, p.Pro113Ala (NM_181828.3); c.340C>G, p.Pro114Ala (NM_181829.3); c.214C>G, p.Pro72Ala (NM_181830.3, NM_181831.3); c.447+12387C>G (NM_181833.3); short protein forms P155A, P113A, P114A, P72A.
Identifiers: ClinVar variation 1030706 (VCV001030706.11), dbSNP rs2066246942, ClinGen allele CA411142141.
Genomic context (GRCh38, chr22:29,654,672, plus strand): 5'-TATCTTTAGAATCTCAATCGCCTGCTCTCCCTTTCTTCTTTCCAGTATGGTGACTACGAC[C>G]CCAGTGTTCACAAGCGGGGATTTTTGGCCCAAGAGGAATTGCTTCCAAAAAGGGTAAGAG-3'
Protein context (NP_000259.1, residues 145-165): AVQAKYGDYD[Pro155Ala]SVHKRGFLAQ

ClinVar aggregate classification (germline): Uncertain significance. Review status: criteria provided, multiple submitters, no conflicts (2 of 4 stars). 4 submissions from 4 submitters: Uncertain significance (4). Last evaluated 2025-06-12.

Conditions:
Familial meningioma. Also called: Meningioma, familial, susceptibility to. Identifiers: Orphanet 263662, MedGen C3551915, MONDO:0011789, OMIM 607174.
Hereditary cancer-predisposing syndrome. Also called: Neoplastic Syndromes, Hereditary; Hereditary Cancer Syndrome; Hereditary neoplastic syndrome; Tumor predisposition. Identifiers: Orphanet 140162, MedGen C0027672, MeSH D009386, MONDO:0015356.
Neurofibromatosis, type 2 (SWNV). Also called: BILATERAL ACOUSTIC NEUROFIBROMATOSIS; NF2-Related Schwannomatosis; SCHWANNOMATOSIS, VESTIBULAR. Identifiers: Orphanet 637, MedGen C0027832, MONDO:0007039, OMIM 101000. Disease mechanism: loss of function.

Allele frequency attached by ClinVar (database versions not stated): gnomAD exomes 0.00001.

Submissions (4):

Labcorp Genetics (formerly Invitae), Labcorp
Classification: Uncertain significance for Neurofibromatosis, type 2. Last evaluated: 2025-06-12. Review status: criteria provided, single submitter. Criteria: Invitae Variant Classification Sherloc (09022015). Collection method: clinical testing. Allele origin: germline.
Comment: This sequence change replaces proline, which is neutral and non-polar, with alanine, which is neutral and non-polar, at codon 155 of the NF2 protein (p.Pro155Ala). This variant is not present in population databases (gnomAD no frequency). This variant has not been reported in the literature in individuals affected with NF2-related conditions. ClinVar contains an entry for this variant (Variation ID: 1030706). Invitae Evidence Modeling of protein sequence and biophysical properties (such as structural, functional, and spatial information, amino acid conservation, physicochemical variation, residue mobility, and thermodynamic stability) indicates that this missense variant is not expected to disrupt NF2 protein function with a negative predictive value of 80%. In summary, the available evidence is currently insufficient to determine the role of this variant in disease. Therefore, it has been classified as a Variant of Uncertain Significance.

Ambry Genetics
Classification: Uncertain significance for Hereditary cancer-predisposing syndrome. Last evaluated: 2025-01-16. Review status: criteria provided, single submitter. Criteria: Ambry Variant Classification Scheme 2023. Collection method: clinical testing. Allele origin: germline.
Comment: The p.P155A variant (also known as c.463C>G), located in coding exon 5 of the NF2 gene, results from a C to G substitution at nucleotide position 463. The proline at codon 155 is replaced by alanine, an amino acid with highly similar properties. This amino acid position is well conserved in available vertebrate species. In addition, this alteration is predicted to be tolerated by in silico analysis. Based on the available evidence, the clinical significance of this variant remains unclear.

All of Us Research Program, National Institutes of Health
Classification: Uncertain significance for Neurofibromatosis, type 2. Last evaluated: 2024-02-22. Review status: criteria provided, single submitter. Criteria: ACMG Guidelines, 2015. Collection method: clinical testing. Allele origin: germline. Inheritance: Autosomal dominant inheritance. Observed: 1 variant allele, 1 heterozygote.
Comment: This missense variant replaces proline with alanine at codon 155 of the NF2 protein. Computational prediction suggests that this variant may not impact protein structure and function (internally defined REVEL score threshold <= 0.5, PMID: 27666373). To our knowledge, functional studies have not been reported for this variant. This variant has not been reported in individuals affected with NF2-related disorders in the literature. This variant has not been identified in the general population by the Genome Aggregation Database (gnomAD). The available evidence is insufficient to determine the role of this variant in disease conclusively. Therefore, this variant is classified as a Variant of Uncertain Significance.

This study involves interpretation of variants in research participants for the purpose of population health screening. Participant phenotype was not available at the time of variant classification. Additional details can be found in publication PMID: 35346344, PMCID: PMC8962531

Baylor Genetics
Classification: Uncertain significance for Familial meningioma. Last evaluated: 2020-01-20. Review status: criteria provided, single submitter. Criteria: ACMG Guidelines, 2015. Collection method: clinical testing. Allele origin: unknown. Affected: yes.
Comment: This variant was determined to be of uncertain significance according to ACMG Guidelines, 2015 [PMID:25741868].